The following is an entry in ClinVar:

NM_182914.3(SYNE2):c.17791G>A (p.Ala5931Thr)

Gene: SYNE2 (spectrin repeat containing nuclear envelope protein 2; plus strand). Cytogenetic location: 14q23.2.
Variant type: single nucleotide variant.
Coding change: c.17791G>A on transcript NM_182914.3 (MANE Select); coding-DNA position 17791, G replaced by A.
Protein change: p.Ala5931Thr; replaces alanine 5931 with threonine.
Molecular consequence: missense variant.
Genome position (GRCh38, 1-based): chr14:64,188,628, G>A. VCF-style: chr14-64188628-G-A. GRCh37 (hg19) VCF-style: chr14-64655346-G-A.
Other names: c.17791G>A, p.Ala5931Thr (NM_015180.6); short protein forms A5931T.
Identifiers: ClinVar variation 470954 (VCV000470954.9), dbSNP rs945430507, ClinGen allele CA261847051.

ClinVar aggregate classification (germline): Uncertain significance (1 of 4 stars; one submission).

Conditions:
Emery-Dreifuss muscular dystrophy 5, autosomal dominant (EDMD5). Also called: EMERY-DREIFUSS MUSCULAR DYSTROPHY 5. Identifiers: Orphanet 261, MedGen C2751805, MONDO:0013072, OMIM 612999.

Allele frequency attached by ClinVar (database versions not stated): gnomAD exomes below 0.00001; TOPMed 0.00004; gnomAD 0.00005 and 0.00006.
gnomAD v4.1: 14 of 1,614,100 alleles (0.00087%); highest among the groups gnomAD compares: African/African-American, 0.019%; no homozygotes.

Submission:

Labcorp Genetics (formerly Invitae), Labcorp
Classification: Uncertain significance for Emery-Dreifuss muscular dystrophy 5, autosomal dominant. Last evaluated: 2020-10-28. Review status: criteria provided, single submitter. Criteria: Invitae Variant Classification Sherloc (09022015). Collection method: clinical testing. Allele origin: germline.
Comment: This sequence change replaces alanine with threonine at codon 5931 of the SYNE2 protein (p.Ala5931Thr). The alanine residue is moderately conserved and there is a small physicochemical difference between alanine and threonine. In summary, this variant is a novel missense change with uncertain impact on protein function. It has been classified as a Variant of Uncertain Significance. Algorithms developed to predict the effect of missense changes on protein structure and function do not agree on the potential impact of this missense change (SIFT: "Deleterious"; PolyPhen-2: "Benign"; Align-GVGD: "Class C0"). This variant is not present in population databases (ExAC no frequency) and has not been reported in the literature in individuals with a SYNE2-related disease.